The following is an entry in ClinVar:

ClinVar aggregate classification (germline): Uncertain significance (1 of 4 stars; one submission).

gnomAD v4.1: 2 of 1,613,818 alleles (0.00012%); highest among the groups gnomAD compares: Middle Eastern, 0.016%; no homozygotes.

Submission:

Women's Health and Genetics/Laboratory Corporation of America, LabCorp
Classification: Uncertain significance. Last evaluated: 2024-11-25. Review status: criteria provided, single submitter. Criteria: LabCorp Variant Classification Summary - May 2015. Collection method: clinical testing. Allele origin: germline.
Comment: Variant summary: GHRHR c.597+7G>A alters a non-conserved nucleotide located close to a canonical splice site and therefore could affect mRNA splicing, leading to a significantly altered protein sequence. Consensus agreement among computation tools predict no significant impact on normal splicing. However, these predictions have yet to be confirmed by functional studies. The variant was absent in 251136 control chromosomes. The available data on variant occurrences in the general population are insufficient to allow any conclusion about variant significance. To our knowledge, no occurrence of c.597+7G>A in individuals affected with Isolated growth hormone deficiency, type 4 and no experimental evidence demonstrating its impact on protein function have been reported. No submitters have cited clinical-significance assessments for this variant to ClinVar. Based on the evidence outlined above, the variant was classified as uncertain significance.

NM_000823.4(GHRHR):c.597+7G>A

Gene: GHRHR (growth hormone releasing hormone receptor; plus strand). Cytogenetic location: 7p14.3.
Variant type: single nucleotide variant.
Coding change: c.597+7G>A on transcript NM_000823.4 (MANE Select); 7 bases into the intron after coding-DNA position 597, G replaced by A.
Molecular consequence: intron variant.
Genome position (GRCh38, 1-based): chr7:30,972,102, G>A. VCF-style: chr7-30972102-G-A. GRCh37 (hg19) VCF-style: chr7-31011717-G-A.
Identifiers: ClinVar variation 3629911 (VCV003629911.1).